The following is an entry in ClinVar:

NM_002519.3(NPAT):c.2659G>A (p.Val887Ile)

Gene: NPAT (nuclear protein, coactivator of histone transcription; minus strand). Cytogenetic location: 11q22.3.
Variant type: single nucleotide variant.
Coding change: c.2659G>A on transcript NM_002519.3 (MANE Select); coding-DNA position 2659, G replaced by A.
Protein change: p.Val887Ile; replaces valine 887 with isoleucine.
Molecular consequence: missense variant.
Genome position (GRCh38, 1-based): chr11:108,172,325, C>T on the plus strand (G>A on the coding strand, the complement: NPAT is on the minus strand). VCF-style: chr11-108172325-C-T. GRCh37 (hg19) VCF-style: chr11-108043052-C-T.
Other names: c.2659G>A, p.Val887Ile (NM_001321307.1); short protein forms V887I.
Identifiers: ClinVar variation 1794415 (VCV001794415.2), dbSNP rs769967982, ClinGen allele CA6263784.

ClinVar aggregate classification (germline): Uncertain significance (1 of 4 stars; one submission).

Allele frequency attached by ClinVar (database versions not stated): gnomAD exomes below 0.00001; ExAC 0.00001.
gnomAD v4.1: 3 of 1,614,220 alleles (0.00019%); highest among the groups gnomAD compares: Non-Finnish European, 0.00025%; no homozygotes.

Submission:

Ambry Genetics
Classification: Uncertain significance. Last evaluated: 2021-07-23. Review status: criteria provided, single submitter. Criteria: Ambry Variant Classification Scheme 2023. Collection method: clinical testing. Allele origin: germline.
Comment: The p.V887I variant (also known as c.2659G>A), located in coding exon 13 of the NPAT gene, results from a G to A substitution at nucleotide position 2659. The valine at codon 887 is replaced by isoleucine, an amino acid with highly similar properties. This amino acid position is conserved. In addition, this alteration is predicted to be tolerated by in silico analysis. Since supporting evidence is limited at this time, the clinical significance of this alteration remains unclear.